The following is an entry in ClinVar:

NM_173628.4(DNAH17):c.2733C>T (p.Thr911=)

Gene: DNAH17 (dynein axonemal heavy chain 17; minus strand). Cytogenetic location: 17q25.3.
Variant type: single nucleotide variant.
Coding change: c.2733C>T on transcript NM_173628.4 (MANE Select); coding-DNA position 2733, C replaced by T.
Protein change: p.Thr911=; no amino-acid change (threonine 911 retained).
Molecular consequence: synonymous variant.
Genome position (GRCh38, 1-based): chr17:78,537,425, G>A on the plus strand (C>T on the coding strand, the complement: DNAH17 is on the minus strand). VCF-style: chr17-78537425-G-A. GRCh37 (hg19) VCF-style: chr17-76533507-G-A.
Identifiers: ClinVar variation 3035449 (VCV003035449.3), dbSNP rs374363642, ClinGen allele CA8804505.
Genomic context (GRCh38, chr17:78,537,425, plus strand): 5'-CAGGCCCTCGATCAGTGCCAGGAAGCCGCGATCTGAGCCCACCTCCAGGGTCGGGTTGAA[G>A]GTCAGCCCATCCTCGTCCAGCTCCATGCGGATCTCAAACAGGGGAGCGATACTCTCCTGA-3'
Protein context (NP_775899.3, residues 901-921): IRMELDEDGL[Thr911=]FNPTLEVGSD

ClinVar aggregate classification (germline): Likely benign. Review status: criteria provided, single submitter (1 of 4 stars). 2 submissions from 2 submitters: Likely benign (1). 1 of the submissions does not count toward it. Last evaluated 2024-09-02.

Conditions:
DNAH17-related disorder. Also called: DNAH17-related condition.

Allele frequency attached by ClinVar (database versions not stated): gnomAD exomes 0.00018; ExAC 0.00062; ESP Exome Variant Server 0.00160; gnomAD 0.00182; TOPMed 0.00192; 1000 Genomes Project 0.00200; 1000 Genomes Project 30x 0.00219.
gnomAD v4.1: 538 of 1,613,418 alleles (0.033%); highest among the groups gnomAD compares: African/African-American, 0.66%; 1 homozygote.

Submissions (2):

Blueprint Genetics
Classification: Likely benign. Last evaluated: 2024-09-02. Review status: criteria provided, single submitter. Criteria: ACMG Guidelines, 2015. Collection method: clinical testing. Allele origin: germline.

PreventionGenetics, part of Exact Sciences
Classification: Likely benign for DNAH17-related condition. Last evaluated: 2019-04-01. Review status: no assertion criteria provided. Collection method: clinical testing. Allele origin: germline. Not counted in ClinVar's aggregate classification.
Comment: This variant is classified as likely benign based on ACMG/AMP sequence variant interpretation guidelines (Richards et al. 2015 PMID: 25741868, with internal and published modifications).